The following is an entry in ClinVar:

NM_000264.5(PTCH1):c.2453T>A (p.Leu818Ter)

Genes: PTCH1 (patched 1; minus strand), LOC100507346 (uncharacterized LOC100507346; plus strand). Cytogenetic location: 9q22.32.
Variant type: single nucleotide variant.
Coding change: c.2453T>A on transcript NM_000264.5 (MANE Select); coding-DNA position 2453, T replaced by A.
Protein change: p.Leu818Ter; replaces leucine 818 with a stop codon.
Molecular consequence: nonsense. On other transcripts: non-coding transcript variant (1).
Genome position (GRCh38, 1-based): chr9:95,467,223, A>T on the plus strand (T>A on the coding strand, the complement: PTCH1 is on the minus strand). VCF-style: chr9-95467223-A-T. GRCh37 (hg19) VCF-style: chr9-98229505-A-T.
Other names: c.2297T>A, p.Leu766Ter (NM_001354918.2); c.2255T>A, p.Leu752Ter (NM_001083602.3); c.2450T>A, p.Leu817Ter (NM_001083603.3); c.2000T>A, p.Leu667Ter (NM_001083604.3, NM_001083605.3, NM_001083606.3 and 1 more transcripts); short protein forms L752*, L818*, L766*, L817*, L667*.
Identifiers: ClinVar variation 2735287 (VCV002735287.3), dbSNP rs1131691630, ClinGen allele CA374114117.

ClinVar aggregate classification (germline): Pathogenic (1 of 4 stars; one submission).

Conditions:
Gorlin syndrome. Also called: Basal cell nevus syndrome; Nevoid Basal Cell Carcinoma Syndrome. Identifiers: Orphanet 377, MedGen C0004779, MONDO:0007187.

Submission:

Labcorp Genetics (formerly Invitae), Labcorp
Classification: Pathogenic for Gorlin syndrome. Last evaluated: 2025-02-06. Review status: criteria provided, single submitter. Criteria: Invitae Variant Classification Sherloc (09022015). Collection method: clinical testing. Allele origin: germline.
Comment: This sequence change creates a premature translational stop signal (p.Leu818*) in the PTCH1 gene. It is expected to result in an absent or disrupted protein product. Loss-of-function variants in PTCH1 are known to be pathogenic (PMID: 16301862, 16419085). This variant is not present in population databases (gnomAD no frequency). This premature translational stop signal has been observed in individual(s) with nevoid basal cell carcinoma syndrome (PMID: 16909134). This variant is also known as c.2450T>A. ClinVar contains an entry for this variant (Variation ID: 2735287). For these reasons, this variant has been classified as Pathogenic.

Literature cited by the submitters: PubMed 16301862; PubMed 16419085; PubMed 16909134.